The following is an entry in ClinVar:

ClinVar aggregate classification (germline): Uncertain significance (1 of 4 stars; one submission).

Conditions:
Gastrointestinal stromal tumor. Also called: Gastrointestinal stromal tumor, somatic; Gastrointestinal stroma tumor. Identifiers: Orphanet 44890, MedGen C0238198, MeSH D046152, MONDO:0011719, OMIM 606764, HP:0100723.

Allele frequency attached by ClinVar (database versions not stated): gnomAD 0.00001.
gnomAD v4.1: 1 of 1,611,364 alleles (0.000062%); highest among the groups gnomAD compares: Non-Finnish European, 0.000085%; no homozygotes.

Submission:

Labcorp Genetics (formerly Invitae), Labcorp
Classification: Uncertain significance for Gastrointestinal stromal tumor. Last evaluated: 2019-03-19. Review status: criteria provided, single submitter. Criteria: Invitae Variant Classification Sherloc (09022015). Collection method: clinical testing. Allele origin: germline.
Comment: This variant has not been reported in the literature in individuals with PDGFRA-related conditions. Algorithms developed to predict the effect of missense changes on protein structure and function output the following: SIFT: "Tolerated"; PolyPhen-2: "Benign"; Align-GVGD: "Class C0". The valine amino acid residue is found in multiple mammalian species, suggesting that this missense change does not adversely affect protein function. These predictions have not been confirmed by published functional studies and their clinical significance is uncertain. In summary, the available evidence is currently insufficient to determine the role of this variant in disease. Therefore, it has been classified as a Variant of Uncertain Significance. This variant is not present in population databases (ExAC no frequency). This sequence change replaces alanine with valine at codon 396 of the PDGFRA protein (p.Ala396Val). The alanine residue is weakly conserved and there is a small physicochemical difference between alanine and valine.

NM_006206.6(PDGFRA):c.1187C>T (p.Ala396Val)

Gene: PDGFRA (platelet derived growth factor receptor alpha; plus strand). Cytogenetic location: 4q12.
Variant type: single nucleotide variant.
Coding change: c.1187C>T on transcript NM_006206.6 (MANE Select); coding-DNA position 1187, C replaced by T.
Protein change: p.Ala396Val; replaces alanine 396 with valine.
Molecular consequence: missense variant.
Genome position (GRCh38, 1-based): chr4:54,270,698, C>T. VCF-style: chr4-54270698-C-T. GRCh37 (hg19) VCF-style: chr4-55136865-C-T.
Other names: c.1187C>T, p.Ala396Val (NM_001347827.2, NM_001347829.2); c.1262C>T, p.Ala421Val (NM_001347828.2); c.1226C>T, p.Ala409Val (NM_001347830.2); short protein forms A421V, A396V, A409V.
Identifiers: ClinVar variation 841327 (VCV000841327.10), dbSNP rs1403199114, ClinGen allele CA356892008.
Genomic context (GRCh38, chr4:54,270,698, plus strand): 5'-GAAGCAAATTAAAGCTGATCCGTGCTAAGGAAGAAGACAGTGGCCATTATACTATTGTAG[C>T]TCAAAATGAAGATGCTGTGAAGAGCTATACTTTTGAACTGTTAACTCAAGGTATGTAAAG-3'
Protein context (NP_006197.1, residues 386-406): EEDSGHYTIV[Ala396Val]QNEDAVKSYT